The following is an entry in ClinVar:

ClinVar aggregate classification (germline): Uncertain significance (1 of 4 stars; one submission).

Conditions:
Hereditary cancer-predisposing syndrome. Also called: Neoplastic Syndromes, Hereditary; Tumor predisposition; Hereditary neoplastic syndrome; Hereditary Cancer Syndrome. Identifiers: Orphanet 140162, MedGen C0027672, MeSH D009386, MONDO:0015356.

Submission:

Ambry Genetics
Classification: Uncertain significance for Hereditary cancer-predisposing syndrome. Last evaluated: 2024-03-04. Review status: criteria provided, single submitter. Criteria: Ambry Variant Classification Scheme 2023. Collection method: clinical testing. Allele origin: germline.
Comment: The p.W1267* variant (also known as c.3801G>A), located in coding exon 18 of the MET gene, results from a G to A substitution at nucleotide position 3801. This changes the amino acid from a tryptophan to a stop codon within coding exon 18. This alteration is expected to result in protein truncation or nonsense-mediated mRNA decay. However, loss of function of MET has not been established as a mechanism of disease. Based on the available evidence, the clinical significance of this alteration remains unclear.

NM_000245.4(MET):c.3747G>A (p.Trp1249Ter)

Gene: MET (MET proto-oncogene, receptor tyrosine kinase; plus strand). Cytogenetic location: 7q31.2.
Variant type: single nucleotide variant.
Coding change: c.3747G>A on transcript NM_000245.4 (MANE Select); coding-DNA position 3747, G replaced by A.
Protein change: p.Trp1249Ter; replaces tryptophan 1249 with a stop codon.
Molecular consequence: nonsense.
Genome position (GRCh38, 1-based): chr7:116,783,418, G>A. VCF-style: chr7-116783418-G-A. GRCh37 (hg19) VCF-style: chr7-116423472-G-A.
Other names: c.3801G>A, p.Trp1267Ter (NM_001127500.3); c.2457G>A, p.Trp819Ter (NM_001324402.2); short protein forms W1249*, W1267*, W819*.
Identifiers: ClinVar variation 3232987 (VCV003232987.1), dbSNP rs2117066979, ClinGen allele CA368991876.